The following is an entry in ClinVar:

NM_007272.3(CTRC):c.611G>T (p.Gly204Val)

Gene: CTRC (chymotrypsin C; plus strand). Cytogenetic location: 1p36.21.
Variant type: single nucleotide variant.
Coding change: c.611G>T on transcript NM_007272.3 (MANE Select); coding-DNA position 611, G replaced by T.
Protein change: p.Gly204Val; replaces glycine 204 with valine.
Molecular consequence: missense variant.
Genome position (GRCh38, 1-based): chr1:15,444,723, G>T. VCF-style: chr1-15444723-G-T. GRCh37 (hg19) VCF-style: chr1-15771218-G-T.
Other names: short protein forms G204V.
Identifiers: ClinVar variation 4560115 (VCV004560115.1).

ClinVar aggregate classification (germline): Uncertain significance (1 of 4 stars; one submission).

Conditions:
Hereditary pancreatitis (PCTT). Also called: Hereditary chronic pancreatitis; PRSS1-Related Hereditary Pancreatitis. Identifiers: Orphanet 676, MedGen C0238339, MONDO:0008185, OMIM 167800.

Submission:

Ambry Genetics
Classification: Uncertain significance for Hereditary pancreatitis. Last evaluated: 2025-09-21. Review status: criteria provided, single submitter. Criteria: Ambry Variant Classification Scheme 2023. Collection method: clinical testing. Allele origin: germline.
Comment: The p.G204V variant (also known as c.611G>T), located in coding exon 6 of the CTRC gene, results from a G to T substitution at nucleotide position 611. The glycine at codon 204 is replaced by valine, an amino acid with dissimilar properties. This amino acid position is conserved. In addition, this alteration is predicted to be deleterious by in silico analysis. Based on the available evidence, the clinical significance of this variant remains unclear.